The following is an entry in ClinVar:

ClinVar aggregate classification (germline): Likely benign (0 of 4 stars; one submission).

Conditions:
CLPTM1-related disorder. Also called: CLPTM1-related condition.

Allele frequency attached by ClinVar (database versions not stated): gnomAD exomes 0.00001; TOPMed 0.00002; ExAC 0.00004; gnomAD 0.00005; 1000 Genomes Project 30x 0.00016; 1000 Genomes Project 0.00020.
gnomAD v4.1: 20 of 1,612,732 alleles (0.0012%); highest among the groups gnomAD compares: African/African-American, 0.0053%; no homozygotes.

Submission:

PreventionGenetics, part of Exact Sciences
Classification: Likely benign for CLPTM1-related condition. Last evaluated: 2019-03-07. Review status: no assertion criteria provided. Collection method: clinical testing. Allele origin: germline.
Comment: This variant is classified as likely benign based on ACMG/AMP sequence variant interpretation guidelines (Richards et al. 2015 PMID: 25741868, with internal and published modifications).

NM_001294.4(CLPTM1):c.1893C>T (p.Thr631=)

Gene: CLPTM1 (CLPTM1 regulator of GABA type A receptor forward trafficking; plus strand). Cytogenetic location: 19q13.32.
Variant type: single nucleotide variant.
Coding change: c.1893C>T on transcript NM_001294.4 (MANE Select); coding-DNA position 1893, C replaced by T.
Protein change: p.Thr631=; no amino-acid change (threonine 631 retained).
Molecular consequence: synonymous variant.
Genome position (GRCh38, 1-based): chr19:44,992,780, C>T. VCF-style: chr19-44992780-C-T. GRCh37 (hg19) VCF-style: chr19-45496038-C-T.
Other names: c.1851C>T, p.Thr617= (NM_001282175.2); c.1587C>T, p.Thr529= (NM_001282176.2).
Identifiers: ClinVar variation 3046761 (VCV003046761.2), dbSNP rs533538751, ClinGen allele CA9507320.